The following is an entry in ClinVar:

NM_001048174.2(MUTYH):c.1223T>C (p.Leu408Pro)

Gene: MUTYH (mutY DNA glycosylase; minus strand). Cytogenetic location: 1p34.1.
Variant type: single nucleotide variant.
Coding change: c.1223T>C on transcript NM_001048174.2 (MANE Select); coding-DNA position 1223, T replaced by C.
Protein change: p.Leu408Pro; replaces leucine 408 with proline.
Molecular consequence: missense variant. On other transcripts: non-coding transcript variant (7).
Genome position (GRCh38, 1-based): chr1:45,331,436, A>G on the plus strand (T>C on the coding strand, the complement: MUTYH is on the minus strand). VCF-style: chr1-45331436-A-G. GRCh37 (hg19) VCF-style: chr1-45797108-A-G.
Other names: c.878T>C, p.Leu293Pro (NM_001350651.2, NM_001350650.2, NM_001407082.1); c.1256T>C, p.Leu419Pro (NM_001407069.1, NM_001407077.1, NM_001293191.2); c.1223T>C, p.Leu408Pro (NM_001407070.1, NM_001407072.1, NM_001407073.1 and 6 more transcripts); c.1226T>C, p.Leu409Pro (NM_001407071.1, NM_001407078.1, NM_001048172.2 and 1 more transcripts); c.1139T>C, p.Leu380Pro (NM_001407075.1); c.1184T>C, p.Leu395Pro (NM_001407079.1); c.947T>C, p.Leu316Pro (NM_001407091.1, NM_001293192.2, NM_001293196.2); c.1298T>C, p.Leu433Pro (NM_012222.3); and 5 more; short protein forms L293P, L316P, L380P, L394P, L395P, L408P, L409P, L415P.
Identifiers: ClinVar variation 5041284 (VCV005041284.1).
Genomic context (GRCh38, chr1:45,331,436, plus strand): 5'-AGCCTCAAAAGCCAACATCCTTGGCTATTCCGCTGCTCACTTACCTCCCCAAGGTGCCGG[A>G]GGTGCGTGGCTGGGAGGGGCCCAGCCCAACGCTGTAGTTCCTGCAGCAGGGCCTTGCGCT-3'
Protein context (NP_001041639.1, residues 398-418): RWAGPLPATH[Leu408Pro]RHLGEVVHTF

ClinVar aggregate classification (germline): Uncertain significance (1 of 4 stars; one submission).

Submission:

CeGaT Center for Human Genetics Tuebingen
Classification: Uncertain significance. Last evaluated: 2026-09-01. Review status: criteria provided, single submitter. Criteria: CeGaT Center For Human Genetics Tuebingen Variant Classification Criteria Version 2. Collection method: clinical testing. Allele origin: germline. Affected: yes. Observed: 1 variant allele.
Comment: MUTYH: PM2